The following is an entry in ClinVar:

NM_004836.7(EIF2AK3):c.2785C>T (p.His929Tyr)

Genes: EIF2AK3-AS1 (EIF2AK3 antisense RNA 1; plus strand), EIF2AK3 (eukaryotic translation initiation factor 2 alpha kinase 3; minus strand). Cytogenetic location: 2p11.2.
Variant type: single nucleotide variant.
Coding change: c.2785C>T on transcript NM_004836.7 (MANE Select); coding-DNA position 2785, C replaced by T.
Protein change: p.His929Tyr; replaces histidine 929 with tyrosine.
Molecular consequence: missense variant. On other transcripts: non-coding transcript variant (1).
Genome position (GRCh38, 1-based): chr2:88,574,698, G>A on the plus strand (C>T on the coding strand, the complement: EIF2AK3 is on the minus strand). VCF-style: chr2-88574698-G-A. GRCh37 (hg19) VCF-style: chr2-88874216-G-A.
Other names: c.2332C>T, p.His778Tyr (NM_001313915.2); short protein forms H778Y, H929Y.
Identifiers: ClinVar variation 3372631 (VCV003372631.2).

ClinVar aggregate classification (germline): Uncertain significance (1 of 4 stars; one submission).

gnomAD v4.1: 1 of 1,614,118 alleles (0.000062%); highest among the groups gnomAD compares: Non-Finnish European, 0.000085%; no homozygotes.

Submission:

GeneDx
Classification: Uncertain significance. Last evaluated: 2024-12-13. Review status: criteria provided, single submitter. Criteria: GeneDx Variant Classification Process June 2021. Collection method: clinical testing. Allele origin: germline. Affected: yes.
Comment: Not observed at significant frequency in large population cohorts (gnomAD); In silico analysis supports that this missense variant has a deleterious effect on protein structure/function; Has not been previously published as pathogenic or benign to our knowledge